The following is an entry in ClinVar:

NM_020800.3(IFT80):c.593C>T (p.Ser198Leu)

Genes: IFT80 (intraflagellar transport 80; minus strand), TRIM59-IFT80 (TRIM59-IFT80 readthrough (NMD candidate); minus strand). Cytogenetic location: 3q25.33.
Variant type: single nucleotide variant.
Coding change: c.593C>T on transcript NM_020800.3 (MANE Select); coding-DNA position 593, C replaced by T.
Protein change: p.Ser198Leu; replaces serine 198 with leucine.
Molecular consequence: missense variant. On other transcripts: non-coding transcript variant (3).
Genome position (GRCh38, 1-based): chr3:160,357,535, G>A on the plus strand (C>T on the coding strand, the complement: IFT80 is on the minus strand). VCF-style: chr3-160357535-G-A. GRCh37 (hg19) VCF-style: chr3-160075323-G-A.
Other names: c.182C>T, p.Ser61Leu (NM_001190241.2, NM_001190242.2); c.593C>T (NM_020800.2); short protein forms S198L, S61L.
Identifiers: ClinVar variation 2055114 (VCV002055114.3), dbSNP rs370411287, ClinGen allele CA2685432.
Genomic context (GRCh38, chr3:160,357,535, plus strand): 5'-TAAACATTATATACCTTATATTTACAGTCTTCACCAGCAGATAAAATAAGATCATTGACC[G>A]AGTTCCAATCTACTTTTAAAATAATGCCATCATGAGCTTTCCACTGTGAGAAAAAAGAAT-3'
Protein context (NP_065851.1, residues 188-208): DGIILKVDWN[Ser198Leu]VNDLILSAGE

ClinVar aggregate classification (germline): Uncertain significance. Review status: criteria provided, multiple submitters, no conflicts (2 of 4 stars). 3 submissions from 3 submitters: Uncertain significance (3). Last evaluated 2024-03-07.

Conditions:
Inborn genetic diseases. Identifiers: MedGen C0950123, MeSH D030342.
Jeune thoracic dystrophy. Also called: Jeune syndrome; Infantile thoracic dystrophy; Thoracic pelvic phalangeal dystrophy; Jeune's syndrome; Chondroectodermal dysplasia-like syndrome; Short-rib thoracic dysplasia. Identifiers: Orphanet 474, MedGen C0265275, MONDO:0018770.
Asphyxiating thoracic dystrophy 2 (SRTD2). Also called: SHORT-RIB THORACIC DYSPLASIA 2 WITH OR WITHOUT POLYDACTYLY; SHORT-RIB THORACIC DYSPLASIA 2 WITH POLYDACTYLY; SHORT-RIB THORACIC DYSPLASIA 2 WITHOUT POLYDACTYLY. Identifiers: Orphanet 474, MedGen C1970005, MONDO:0012644, OMIM 611263.

Allele frequency attached by ClinVar (database versions not stated): ExAC 0.00002; gnomAD 0.00002; TOPMed 0.00002; gnomAD exomes 0.00007; ESP Exome Variant Server 0.00008.
gnomAD v4.1: 100 of 1,597,838 alleles (0.0063%); highest among the groups gnomAD compares: Non-Finnish European, 0.0079%; no homozygotes.

Submissions (3):

Fulgent Genetics
Classification: Uncertain significance for Asphyxiating thoracic dystrophy 2. Last evaluated: 2024-03-07. Review status: criteria provided, single submitter. Criteria: ACMG Guidelines, 2015. Collection method: clinical testing. Allele origin: germline.

Ambry Genetics
Classification: Uncertain significance for Inborn genetic diseases. Last evaluated: 2023-10-03. Review status: criteria provided, single submitter. Criteria: Ambry Variant Classification Scheme 2023. Collection method: clinical testing. Allele origin: germline.

Labcorp Genetics (formerly Invitae), Labcorp
Classification: Uncertain significance for Jeune thoracic dystrophy. Last evaluated: 2022-03-12. Review status: criteria provided, single submitter. Criteria: Invitae Variant Classification Sherloc (09022015). Collection method: clinical testing. Allele origin: germline.
Comment: This sequence change replaces serine, which is neutral and polar, with leucine, which is neutral and non-polar, at codon 198 of the IFT80 protein (p.Ser198Leu). This variant is present in population databases (rs370411287, gnomAD 0.004%). This variant has not been reported in the literature in individuals affected with IFT80-related conditions. Algorithms developed to predict the effect of missense changes on protein structure and function (SIFT, PolyPhen-2, Align-GVGD) all suggest that this variant is likely to be tolerated. In summary, the available evidence is currently insufficient to determine the role of this variant in disease. Therefore, it has been classified as a Variant of Uncertain Significance.